The following is an entry in ClinVar:

NM_024675.4(PALB2):c.1207C>G (p.Leu403Val)

Gene: PALB2 (partner and localizer of BRCA2; minus strand). Cytogenetic location: 16p12.2.
Variant type: single nucleotide variant.
Coding change: c.1207C>G on transcript NM_024675.4 (MANE Select); coding-DNA position 1207, C replaced by G.
Protein change: p.Leu403Val; replaces leucine 403 with valine.
Molecular consequence: missense variant.
Genome position (GRCh38, 1-based): chr16:23,635,339, G>C on the plus strand (C>G on the coding strand, the complement: PALB2 is on the minus strand). VCF-style: chr16-23635339-G-C. GRCh37 (hg19) VCF-style: chr16-23646660-G-C.
Other names: c.1147C>G, p.Leu383Val (NM_001407296.1); c.1207C>G, p.Leu403Val (NM_001407297.1, NM_001407298.1, NM_001407299.1 and 3 more transcripts); c.322C>G, p.Leu108Val (NM_001407304.1, NM_001407305.1, NM_001407306.1 and 5 more transcripts); short protein forms L108V, L403V, L383V.
Identifiers: ClinVar variation 2112058 (VCV002112058.4), dbSNP rs2142422741, ClinGen allele CA395133194.

ClinVar aggregate classification (germline): Uncertain significance (1 of 4 stars; one submission).

Conditions:
Familial cancer of breast. Also called: hereditary breast carcinoma; BREAST CANCER, FAMILIAL; Hereditary breast cancer. Identifiers: Orphanet 227535, MedGen C0346153, MONDO:0016419, OMIM 114480. Disease mechanism: loss of function.

Submission:

Labcorp Genetics (formerly Invitae), Labcorp
Classification: Uncertain significance for Familial cancer of breast. Last evaluated: 2022-03-14. Review status: criteria provided, single submitter. Criteria: Invitae Variant Classification Sherloc (09022015). Collection method: clinical testing. Allele origin: germline.
Comment: This sequence change replaces leucine, which is neutral and non-polar, with valine, which is neutral and non-polar, at codon 403 of the PALB2 protein (p.Leu403Val). This variant is not present in population databases (gnomAD no frequency). This variant has not been reported in the literature in individuals affected with PALB2-related conditions. Algorithms developed to predict the effect of missense changes on protein structure and function (SIFT, PolyPhen-2, Align-GVGD) all suggest that this variant is likely to be tolerated. In summary, the available evidence is currently insufficient to determine the role of this variant in disease. Therefore, it has been classified as a Variant of Uncertain Significance.